The following is an entry in ClinVar:

ClinVar aggregate classification (germline): Uncertain significance (1 of 4 stars; one submission).

Conditions:
Cardiovascular phenotype. Identifiers: MedGen CN230736.

Submission:

Ambry Genetics
Classification: Uncertain significance for Cardiovascular phenotype. Last evaluated: 2025-11-15. Review status: criteria provided, single submitter. Criteria: Ambry Variant Classification Scheme 2023. Collection method: clinical testing. Allele origin: germline.
Comment: The p.P67S variant (also known as c.199C>T), located in coding exon 2 of the TBX1 gene, results from a C to T substitution at nucleotide position 199. The proline at codon 67 is replaced by serine, an amino acid with similar properties. This amino acid position is conserved. In addition, this alteration is predicted to be tolerated by in silico analysis. Based on the available evidence, the clinical significance of this variant remains unclear.

NM_001379200.1(TBX1):c.226C>T (p.Pro76Ser)

Gene: TBX1 (T-box transcription factor 1; plus strand). Cytogenetic location: 22q11.21.
Variant type: single nucleotide variant.
Coding change: c.226C>T on transcript NM_001379200.1 (MANE Select); coding-DNA position 226, C replaced by T.
Protein change: p.Pro76Ser; replaces proline 76 with serine.
Molecular consequence: missense variant.
Genome position (GRCh38, 1-based): chr22:19,761,069, C>T. VCF-style: chr22-19761069-C-T. GRCh37 (hg19) VCF-style: chr22-19748592-C-T.
Other names: c.199C>T, p.Pro67Ser (NM_005992.1, NM_080646.2, NM_080647.1); short protein forms P76S, P67S.
Identifiers: ClinVar variation 4615063 (VCV004615063.1).
Genomic context (GRCh38, chr22:19,761,069, plus strand): 5'-CCGCCGCGCTACGACCCGTGCGCCGCCGCCGCCCCCGGCGCCCCGGGCCCGCCGCCGCCG[C>T]CGCACGCCTACCCGTTTGCGCCGGCCGCCGGGGCCGCCACCAGCGCCGCCGCCGAGCCCG-3'
Protein context (NP_001366129.1, residues 66-86): APGAPGPPPP[Pro76Ser]HAYPFAPAAG